The following is an entry in ClinVar:

ClinVar aggregate classification (germline): Pathogenic. Review status: reviewed by expert panel (3 of 4 stars). 7 submissions from 6 submitters: Pathogenic (1). 6 of the submissions do not count toward it. Last evaluated 2025-05-20.

Conditions:
RPGR-related retinopathy. Also called: RPGR retinopathy. Identifiers: MedGen CN305589, MONDO:0100437.
Retinal dystrophy. Also called: Inherited retinal dystrophy. Identifiers: Orphanet 71862, MedGen C0854723, MeSH D058499, MONDO:0019118, HP:0000556.
Primary ciliary dyskinesia. Also called: Ciliary dyskinesia. Identifiers: Orphanet 244, MedGen C0008780, MONDO:0016575, HP:0012265.
RPGR-related disorder. Also called: RPGR-related condition.
Retinitis pigmentosa 3. Also called: CHOROIDORETINAL DEGENERATION WITH RETINAL REFLEX IN HETEROZYGOUS WOMEN. Identifiers: Orphanet 791, MedGen C1845667, MONDO:0010227, OMIM 300029.

Submissions (7):

ClinGen X-linked Inherited Retinal Disease Variant Curation Expert Panel, ClinGen
Classification: Pathogenic for RPGR-related retinopathy. Last evaluated: 2025-05-20. Review status: reviewed by expert panel. Criteria: ClinGen X LinkedIRD ACMG Specifications RPGR V1.0.0. Collection method: curation. Allele origin: germline. Inheritance: X-linked inheritance.
Comment: NM_001034853.2(RPGR):c.3027_3028del (p.Glu1010GlyfsTer?) is a frameshift variant that introduces a premature stop codon into exon 15 of 15 before amino acid 1132, which is predicted not to trigger nonsense-mediated decay but rather to disrupt a critical C-terminal region required for proper glutamylation of RPGR (PVS1, PMID: 36445968). This variant is absent among hemizygous individuals in gnomAD v.4.1.0 (PM2_supporting). This variant has been reported in at least 3 apparently unrelated probands meeting the PS4 requirement of some functional vision impairment in affected males by age 30 years or decreased/absent cone and/or rod electroretinogram responses (PMIDs: 31816670, 32000842, 34745198, PS4_moderate). At least one proband harboring this variant exhibits a phenotype including family history consistent with X-linked inheritance (2 pts), previous genotyping by whole exome sequencing that did not provide an alternative explanation for visual impairment (2 pts), and night blindness (0.5 pts), which together are specific for RPGR-related etinopathy (4.5 points), however, PP4 has not been met as this proband was previously counted for PS4_Moderate. The variant has been reported to segregate with retinal dystrophy through at least 4 affected meioses from 2 families (PP1_strong; PMID: 34745198). In summary, this variant is classified as pathogenic for RPGR-related retinopathy based on the ClinGen X-linked Inherited Retinal Disease Expert Panel Specifications to the ACMG/AMP Variant Interpretation Guidelines for RPGR Version 1.0.0; PVS1, PM2_supporting, PP1, and PP4. (date of approval 05/16/2025). In summary, this variant is classified as pathogenic for RPGR-related retinopathy based on the ClinGen X-linked Inherited Retinal Disease Expert Panel Specifications to the ACMG/AMP Variant Interpretation Guidelines for RPGR Version 1.0.0; PVS1, PS4_moderate, PM2_supporting, and PP1_strong. (date of approval 05/16/2025).

PreventionGenetics, part of Exact Sciences
Classification: Pathogenic for RPGR-related condition. Last evaluated: 2026-06-30. Review status: criteria provided, single submitter. Criteria: ACMG Guidelines, 2015. Collection method: clinical testing. Allele origin: germline. Not counted in ClinVar's aggregate classification.
Comment: The RPGR c.3027_3028delGG variant is predicted to result in a frameshift and premature protein termination (p.Glu1010Glyfs*68). This variant has been reported in the hemizygous state in multiple individuals with X-linked retinitis pigmentosa and has been shown to segregate with disease (Pelletier et al. 2007. PubMed ID: 16969763; Cho et al. 2020. PubMed ID: 32000842; Table S1, Yohe et al. 2020. PubMed ID: 31816670; Yang et al. 2021. PubMed ID: 34745198; Hwang et al. 2025. PubMed ID: 40057012). This variant is reported in 0.0029% of alleles in individuals of European (Non-Finnish) descent in gnomAD, however, the quality of this data is questionable and should be treated with caution. Frameshift variants in RPGR are expected to be pathogenic. This variant is interpreted as pathogenic.

Labcorp Genetics (formerly Invitae), Labcorp
Classification: Pathogenic for Primary ciliary dyskinesia. Last evaluated: 2025-06-17. Review status: criteria provided, single submitter. Criteria: Invitae Variant Classification Sherloc (09022015). Collection method: clinical testing. Allele origin: germline. Not counted in ClinVar's aggregate classification.
Comment: This sequence change creates a premature translational stop signal (p.Glu1010Glyfs*68) in the RPGR (ORF15) gene. While this is not anticipated to result in nonsense mediated decay, it is expected to disrupt the last 143 amino acid(s) of the RPGR (ORF15) protein. The frequency data for this variant in the population databases is considered unreliable, as metrics indicate poor data quality at this position in the gnomAD database. This premature translational stop signal has been observed in individual(s) with X-linked retinitis pigmentosa (PMID: 16969763). ClinVar contains an entry for this variant (Variation ID: 867211). This variant disrupts a region of the RPGR (ORF15) protein in which other variant(s) (p.Leu1130Lysfs*13) have been determined to be pathogenic (PMID: 22264887; internal data). This suggests that this is a clinically significant region of the protein, and that variants that disrupt it are likely to be disease-causing. For these reasons, this variant has been classified as Pathogenic.

Institute of Medical Genetics and Applied Genomics, University Hospital Tübingen
Classification: Pathogenic for Retinitis pigmentosa 3. Last evaluated: 2023-03-29. Review status: criteria provided, single submitter. Criteria: ACMG Guidelines, 2015. Collection method: clinical testing. Allele origin: germline. Inheritance: X-linked recessive inheritance. Affected: yes. Not counted in ClinVar's aggregate classification.

Blueprint Genetics
Classification: Pathogenic for Retinal dystrophy. Last evaluated: 2019-08-01. Review status: criteria provided, single submitter. Criteria: Blueprint Genetics Variant Classification Scheme. Collection method: clinical testing. Allele origin: germline. Affected: yes. Not counted in ClinVar's aggregate classification.

Institute of Human Genetics, Univ. Regensburg, Univ. Regensburg
Classification: Pathogenic for Retinal dystrophy. Last evaluated: 2013-01-01. Review status: criteria provided, single submitter. Criteria: ACMG Guidelines, 2015. Collection method: clinical testing. Allele origin: germline. Affected: yes. Not counted in ClinVar's aggregate classification.

Blueprint Genetics
Classification: Pathogenic for Retinitis pigmentosa 3. Review status: no assertion criteria provided. Collection method: clinical testing. Allele origin: germline. Affected: yes. Not counted in ClinVar's aggregate classification.

Literature cited by the submitters: PubMed 16969763 (cited by Labcorp Genetics (formerly Invitae), Labcorp and Institute of Human Genetics, Univ. Regensburg, Univ. Regensburg); PubMed 22264887 (cited by Labcorp Genetics (formerly Invitae), Labcorp); PubMed 32000842 (cited by Institute of Human Genetics, Univ. Regensburg, Univ. Regensburg); PubMed 31816670 (cited by Institute of Human Genetics, Univ. Regensburg, Univ. Regensburg); PubMed 34745198 (cited by Institute of Human Genetics, Univ. Regensburg, Univ. Regensburg); PubMed 34985506 (cited by Institute of Human Genetics, Univ. Regensburg, Univ. Regensburg); PubMed 36819107 (cited by Institute of Human Genetics, Univ. Regensburg, Univ. Regensburg).

NM_001034853.2(RPGR):c.3027_3028del (p.Glu1010fs)

Gene: RPGR (retinitis pigmentosa GTPase regulator; minus strand). Cytogenetic location: Xp11.4.
Variant type: Deletion.
Coding change: c.3027_3028del on transcript NM_001034853.2 (MANE Select); coding-DNA positions 3027 to 3028, 2 bases deleted (GG; older notation c.3027_3028delGG).
Protein change: p.Glu1010fs; shifts the reading frame from glutamic acid 1010.
Molecular consequence: frameshift variant. On other transcripts: intron variant (8).
Genome position (GRCh38, 1-based): chrX:38,285,971-38,285,972, CC deleted on the plus strand (GG on the coding strand, the reverse complement: RPGR is on the minus strand); deleting any 2 consecutive bases within chrX:38,285,971-38,285,974 gives the same sequence; the c. name uses the placement nearest the transcript's 3' end. VCF-style (leftmost placement, unchanged base first): chrX-38285970-TCC-T. GRCh37 (hg19) VCF-style: chrX-38145223-TCC-T.
Other names: NM_001034853.2(RPGR):c.3027_3028del; p.Glu1010fs; c.1569+4987_1569+4988del (NM_001367249.1, NM_001367250.1); c.1902+1122_1902+1123del (NM_001367245.1); c.1386+4987_1386+4988del (NM_001367251.1); c.1719+1122_1719+1123del (NM_001367246.1); c.1572+4987_1572+4988del (NM_001367247.1); c.1905+1122_1905+1123del (NM_000328.3); and 2 more; short protein forms E1010fs.
Identifiers: ClinVar variation 867211 (VCV000867211.13), dbSNP rs1569235565, ClinGen allele CA640955042.